The following is an entry in ClinVar:

ClinVar aggregate classification (germline): Uncertain significance (1 of 4 stars; one submission).

Conditions:
OPA3-related disorder. Also called: OPA3-related condition.

Allele frequency attached by ClinVar (database versions not stated): gnomAD 0.00001; gnomAD exomes 0.00001; ExAC 0.00003.
gnomAD v4.1: 19 of 1,613,964 alleles (0.0012%); highest among the groups gnomAD compares: South Asian, 0.021%; no homozygotes.

Submission:

PreventionGenetics, part of Exact Sciences
Classification: Uncertain significance for OPA3-related condition. Last evaluated: 2022-12-22. Review status: criteria provided, single submitter. Criteria: ACMG Guidelines, 2015. Collection method: clinical testing. Allele origin: germline.
Comment: The OPA3 c.302A>G variant is predicted to result in the amino acid substitution p.Tyr101Cys. To our knowledge, this variant has not been reported in the literature. This variant is reported in 0.023% of alleles in individuals of South Asian descent in gnomAD. At this time, the clinical significance of this variant is uncertain due to the absence of conclusive functional and genetic evidence.

NM_001017989.3(OPA3):c.302A>G (p.Tyr101Cys)

Genes: OPA3 (outer mitochondrial membrane lipid metabolism regulator OPA3; minus strand), OPA3-RTN2 (OPA3-RTN2 readthrough; minus strand). Cytogenetic location: 19q13.32.
Variant type: single nucleotide variant.
Coding change: c.302A>G on transcript NM_001017989.3; coding-DNA position 302, A replaced by G.
Protein change: p.Tyr101Cys; replaces tyrosine 101 with cysteine.
Molecular consequence: missense variant.
Genome position (GRCh38, 1-based): chr19:45,529,297, T>C on the plus strand (A>G on the coding strand, the complement: OPA3 is on the minus strand). VCF-style: chr19-45529297-T-C. GRCh37 (hg19) VCF-style: chr19-46032555-T-C.
Other names: short protein forms Y101C.
Identifiers: ClinVar variation 2629480 (VCV002629480.1), dbSNP rs757195041, ClinGen allele CA9517312.